The following is an entry in ClinVar:

ClinVar aggregate classification (germline): Conflicting classifications of pathogenicity. Review status: criteria provided, conflicting classifications (1 of 4 stars). 5 submissions from 5 submitters: Likely pathogenic (1); Uncertain significance (4). Last evaluated 2025-10-01.

Conditions:
Frontometaphyseal dysplasia 1 (FMD1). Also called: Frontometaphyseal Dysplasia (FLNA-FMD). Identifiers: Orphanet 1826, MedGen C4281559, MONDO:0024550, OMIM 305620.
Terminal osseous dysplasia-pigmentary defects syndrome. Also called: ODPD; TERMINAL OSSEOUS DYSPLASIA AND PIGMENTARY DEFECTS; Terminal Osseous Dysplasia (FLNA-TOD); ODPF SYNDROME; OSSEOUS DYSPLASIA, DIGITAL, WITH FACIAL PIGMENTARY DEFECTS AND MULTIPLE FRENULA. Identifiers: Orphanet 88630, MedGen C1846129, MONDO:0010279, OMIM 300244.
FG syndrome 2 (FGS2). Identifiers: MedGen C1845902, MONDO:0010297, OMIM 300321.
Oto-palato-digital syndrome, type II (OPD2). Also called: Otopalatodigital Syndrome, Type II; Otopalatodigital Syndrome Type 2 (FLNA-OPD2); FACIOPALATOOSSEOUS SYNDROME; OPD II SYNDROME. Identifiers: Orphanet 669, Orphanet 90652, MedGen C1844696, MONDO:0010571, OMIM 304120.
Oto-palato-digital syndrome, type I (OPD1). Also called: Taybi syndrome; Otopalatodigital Syndrome Type 1 (FLNA-OPD1); OPD I SYNDROME; OPD SYNDROME 1; Otopalatodigital Syndrome, Type I. Identifiers: Orphanet 669, Orphanet 90650, MedGen C0265251, MONDO:0010704, OMIM 311300.
Heterotopia, periventricular, X-linked dominant (PVNH1). Also called: PERIVENTRICULAR NODULAR HETEROTOPIA 4; HETEROTOPIA, PERIVENTRICULAR, 1; PERIVENTRICULAR NODULAR HETEROTOPIA 1; X-linked periventricular heterotopia. Identifiers: Orphanet 2149, Orphanet 82004, MedGen C1848213, MONDO:0010233, OMIM 300049.
Cardiac valvular dysplasia, X-linked (CVDPX). Also called: Congenital valvular dysplasia; Isolated X-Linked Cardiac Valvular Dysplasia; FLNA-Related X-linked Cardiac Valvular Dysplasia; MYXOMATOUS VALVULAR DYSTROPHY, X-LINKED; VALVULAR HEART DISEASE, CONGENITAL. Identifiers: Orphanet 1864, Orphanet 555877, Orphanet 75497, MedGen C0262436, MONDO:0010753, OMIM 314400.
Melnick-Needles syndrome (MNS). Also called: Melnick-Needles Syndrome (FLNA-MNS); OSTEODYSPLASTY OF MELNICK AND NEEDLES; MELNICK-NEEDLES OSTEODYSPLASTY. Identifiers: Orphanet 2484, MedGen C0025237, MONDO:0010650, OMIM 309350.
Intestinal pseudoobstruction, neuronal, chronic idiopathic, X-linked (CIIPX). Also called: FLNA-Related Periventricular Nodular Heterotopia (FLNA-Related PVNH; Huttenlocher Syndrome); CONGENITAL IDIOPATHIC INTESTINAL PSEUDOOBSTRUCTION; INTESTINAL PSEUDOOBSTRUCTION, NEURONAL, CHRONIC IDIOPATHIC, WITH CENTRAL NERVOUS SYSTEM INVOLVEMENT. Identifiers: Orphanet 2301, MedGen C2746068, MONDO:0010232, OMIM 300048.
Familial thoracic aortic aneurysm and aortic dissection (TAAD). Also called: Thoracic aortic aneurysms and dissections. Identifiers: Orphanet 91387, MedGen C4707243, MONDO:0019625.
Frontometaphyseal dysplasia (FMD1). Identifiers: Orphanet 1826, MedGen C0265293, MONDO:0015942.

Allele frequency attached by ClinVar (database versions not stated): TOPMed below 0.00001.
gnomAD v4.1: 1 of 1,210,877 alleles (0.000083%); highest among the groups gnomAD compares: African/African-American, 0.0017%; no homozygotes.

Submissions (5):

Ambry Genetics
Classification: Uncertain significance for Familial thoracic aortic aneurysm and aortic dissection. Last evaluated: 2025-10-01. Review status: criteria provided, single submitter. Criteria: Ambry Variant Classification Scheme 2023. Collection method: clinical testing. Allele origin: germline.
Comment: The p.E622K variant (also known as c.1864G>A), located in coding exon 12 of the FLNA gene, results from a G to A substitution at nucleotide position 1864. The glutamic acid at codon 622 is replaced by lysine, an amino acid with similar properties. This variant was reported in individual(s) with features consistent with developmental disorders and disorders of sex development (Zhou X et al. Nat Genet, 2022 Sep;54:1305-1319; Kaplanis J et al. Nature, 2020 Oct;586:757-762; Tsai MC et al. Biomedicines, 2023 Jan;11:). This amino acid position is highly conserved in available vertebrate species. In addition, this alteration is predicted to be deleterious by in silico analysis. Based on the available evidence, the clinical significance of this variant remains unclear.

CeGaT Center for Human Genetics Tuebingen
Classification: Uncertain significance. Last evaluated: 2024-04-01. Review status: criteria provided, single submitter. Criteria: CeGaT Center For Human Genetics Tuebingen Variant Classification Criteria Version 2. Collection method: clinical testing. Allele origin: germline. Affected: yes. Observed: 1 variant allele.
Comment: FLNA: PM2, PP3

Labcorp Genetics (formerly Invitae), Labcorp
Classification: Uncertain significance for Oto-palato-digital syndrome, type II; Heterotopia, periventricular, X-linked dominant; Frontometaphyseal dysplasia; Melnick-Needles syndrome. Last evaluated: 2023-12-02. Review status: criteria provided, single submitter. Criteria: Invitae Variant Classification Sherloc (09022015). Collection method: clinical testing. Allele origin: germline.
Comment: This sequence change replaces glutamic acid, which is acidic and polar, with lysine, which is basic and polar, at codon 622 of the FLNA protein (p.Glu622Lys). This variant is not present in population databases (gnomAD no frequency). This variant has not been reported in the literature in individuals affected with FLNA-related conditions. ClinVar contains an entry for this variant (Variation ID: 430383). Advanced modeling of protein sequence and biophysical properties (such as structural, functional, and spatial information, amino acid conservation, physicochemical variation, residue mobility, and thermodynamic stability) performed at Invitae indicates that this missense variant is not expected to disrupt FLNA protein function with a negative predictive value of 95%. In summary, the available evidence is currently insufficient to determine the role of this variant in disease. Therefore, it has been classified as a Variant of Uncertain Significance.

GeneDx
Classification: Likely pathogenic. Last evaluated: 2015-09-05. Review status: criteria provided, single submitter. Criteria: GeneDx Variant Classification (06012015). Collection method: clinical testing. Allele origin: germline. Affected: yes.
Comment: The E622K variant in the FLNA gene has not been published as a pathogenic variant, nor has it been reported as a benign polymorphism to our knowledge. The E622K variant was not observed in approximately 6,400 individuals of European and African American ancestry in the NHLBI Exome Sequencing Project, indicating it is not a common benign variant in these populations. The E622K variant is a non-conservative amino acid substitution, which occurs at a position that is conserved across species. In silico analysis predicts this variant is probably damaging to the protein structure/function. The E622K variant is a strong candidate for a disease-causing variant, which may be related to the clinical features reported in this individual. However, the possibility that E622K may be a rare benign variant cannot be excluded.

Juno Genomics, Hangzhou Juno Genomics, Inc
Classification: Uncertain significance for Heterotopia, periventricular, X-linked dominant; Terminal osseous dysplasia-pigmentary defects syndrome; FG syndrome 2; Cardiac valvular dysplasia, X-linked; Intestinal pseudoobstruction, neuronal, chronic idiopathic, X-linked; Frontometaphyseal dysplasia 1; Melnick-Needles syndrome; Oto-palato-digital syndrome, type I; Oto-palato-digital syndrome, type II. Review status: criteria provided, single submitter. Criteria: ACMG Guidelines, 2015. Collection method: clinical testing. Allele origin: germline.
Comment: Absent from controls (or at extremely low frequency if recessive) in Genome Aggregation Database.;Multiple lines of computational evidence support a deleterious effect on the gene or gene product.

Literature cited by the submitters: PubMed 33057194 (cited by Ambry Genetics); PubMed 35982159 (cited by Ambry Genetics); PubMed 36830778 (cited by Ambry Genetics).

NM_001110556.2(FLNA):c.1864G>A (p.Glu622Lys)

Gene: FLNA (filamin A; minus strand). Cytogenetic location: Xq28.
Variant type: single nucleotide variant.
Coding change: c.1864G>A on transcript NM_001110556.2 (MANE Select); coding-DNA position 1864, G replaced by A.
Protein change: p.Glu622Lys; replaces glutamic acid 622 with lysine.
Molecular consequence: missense variant.
Genome position (GRCh38, 1-based): chrX:154,364,684, C>T on the plus strand (G>A on the coding strand, the complement: FLNA is on the minus strand). VCF-style: chrX-154364684-C-T. GRCh37 (hg19) VCF-style: chrX-153593052-C-T.
Other names: c.1864G>A, p.Glu622Lys (NM_001456.4); short protein forms E622K.
Identifiers: ClinVar variation 430383 (VCV000430383.31), dbSNP rs1131691935, ClinGen allele CA415241965.